The following is an entry in ClinVar:

NM_017780.4(CHD7):c.4346C>T (p.Thr1449Ile)

Gene: CHD7 (chromodomain helicase DNA binding protein 7; plus strand). Cytogenetic location: 8q12.2.
Variant type: single nucleotide variant.
Coding change: c.4346C>T on transcript NM_017780.4 (MANE Select); coding-DNA position 4346, C replaced by T.
Protein change: p.Thr1449Ile; replaces threonine 1449 with isoleucine.
Molecular consequence: missense variant. On other transcripts: intron variant (1).
Genome position (GRCh38, 1-based): chr8:60,837,828, C>T. VCF-style: chr8-60837828-C-T. GRCh37 (hg19) VCF-style: chr8-61750387-C-T.
Other names: c.1717-24401C>T (NM_001316690.1); short protein forms T1449I.
Identifiers: ClinVar variation 2055930 (VCV002055930.4), dbSNP rs2487911465, ClinGen allele CA371318012.
Genomic context (GRCh38, chr8:60,837,828, plus strand): 5'-GTTTGAAACTGGGCCTGGATAAAGCTGTGCTACAGTCTATGAGTGGAAGAGAAAATGCTA[C>T]CAATGGGGTAAAACCACCCTTGCCCAAACCATTTATTTATTCTGGCACTTTCCTTTATTT-3'
Protein context (NP_060250.2, residues 1439-1459): LQSMSGRENA[Thr1449Ile]NGVQQLSKKE

ClinVar aggregate classification (germline): Uncertain significance (1 of 4 stars; one submission).

Conditions:
CHARGE syndrome (CHARGE). Also called: Hittner Hirsch Kreh syndrome; CHARGE ASSOCIATION--COLOBOMA, HEART ANOMALY, CHOANAL ATRESIA, RETARDATION, GENITAL AND EAR ANOMALIES; Coloboma, heart anomaly, choanal atresia, retardation, genital and ear anomalies; CHARGE association; Hall-Hittner syndrome. Identifiers: Orphanet 138, MedGen C0265354, MONDO:0008965.

Submission:

Labcorp Genetics (formerly Invitae), Labcorp
Classification: Uncertain significance for CHARGE syndrome. Last evaluated: 2021-12-23. Review status: criteria provided, single submitter. Criteria: Invitae Variant Classification Sherloc (09022015). Collection method: clinical testing. Allele origin: germline.
Comment: In summary, the available evidence is currently insufficient to determine the role of this variant in disease. Therefore, it has been classified as a Variant of Uncertain Significance. This sequence change replaces threonine, which is neutral and polar, with isoleucine, which is neutral and non-polar, at codon 1449 of the CHD7 protein (p.Thr1449Ile). This variant is not present in population databases (gnomAD no frequency). This variant has not been reported in the literature in individuals affected with CHD7-related conditions. Advanced modeling of protein sequence and biophysical properties (such as structural, functional, and spatial information, amino acid conservation, physicochemical variation, residue mobility, and thermodynamic stability) performed at Invitae indicates that this missense variant is not expected to disrupt CHD7 protein function.